The following is an entry in ClinVar:

NM_001142864.4(PIEZO1):c.6073_6074del (p.Lys2025fs)

Gene: PIEZO1 (piezo type mechanosensitive ion channel component 1 (Er blood group); minus strand). Cytogenetic location: 16q24.3.
Variant type: Deletion.
Coding change: c.6073_6074del on transcript NM_001142864.4 (MANE Select); coding-DNA positions 6073 to 6074, 2 bases deleted (AA; older notation c.6073_6074delAA).
Protein change: p.Lys2025fs; shifts the reading frame from lysine 2025.
Molecular consequence: frameshift variant.
Genome position (GRCh38, 1-based): chr16:88,720,159-88,720,160, TT deleted on the plus strand (AA on the coding strand, the reverse complement: PIEZO1 is on the minus strand). VCF-style (leftmost placement, unchanged base first): chr16-88720158-CTT-C. GRCh37 (hg19) VCF-style: chr16-88786566-CTT-C.
Other names: c.4615_4616delAA, p.Lys1539Aspfs (NM_014745.1); short protein forms K2025fs.
Identifiers: ClinVar variation 2646989 (VCV002646989.24), dbSNP rs2507842884, ClinGen allele CA2576092592.
Genomic context (GRCh38, chr16:88,720,158, plus strand): 5'-CATCCATAGGTGGATGGCCAGCACCAGCGCCACCTGGAAGGCCAGCTTGCCCAGCACGGT[CTT>C]GCGCAGGTAGAGGGCGCGGTCAACCACCATGGTACTGAACTGGATCAGCAGCATGACCAG-3'

ClinVar aggregate classification (germline): Pathogenic (1 of 4 stars; one submission).

Submission:

CeGaT Center for Human Genetics Tuebingen
Classification: Pathogenic. Last evaluated: 2022-08-01. Review status: criteria provided, single submitter. Criteria: CeGaT Center For Human Genetics Tuebingen Variant Classification Criteria Version 2. Collection method: clinical testing. Allele origin: germline. Affected: yes. Observed: 1 variant allele.
Comment: PIEZO1: PVS1, PM2